The following is an entry in ClinVar:

ClinVar aggregate classification (germline): Conflicting classifications of pathogenicity. Review status: criteria provided, conflicting classifications (1 of 4 stars). 2 submissions from 2 submitters: Uncertain significance (1); Likely benign (1). Last evaluated 2023-03-23.

Conditions:
Hereditary cancer-predisposing syndrome. Also called: Hereditary neoplastic syndrome; Neoplastic Syndromes, Hereditary; Tumor predisposition; Hereditary Cancer Syndrome. Identifiers: Orphanet 140162, MedGen C0027672, MeSH D009386, MONDO:0015356.
Hereditary breast ovarian cancer syndrome. Also called: Hereditary breast and/or ovarian cancer syndrome; Hereditary breast and ovarian cancer syndrome; Hereditary breast and ovarian cancer; Hereditary breast and ovarian cancer syndrome (HBOC); Breast and ovarian cancer; BRCA1- and BRCA2-Associated Hereditary Breast and Ovarian Cancer. Identifiers: Orphanet 145, MedGen C0677776, MeSH D061325, MONDO:0003582. Disease mechanism: loss of function.

Submissions (2):

University of Washington Department of Laboratory Medicine, University of Washington
Classification: Likely benign for Hereditary cancer-predisposing syndrome. Last evaluated: 2023-03-23. Review status: criteria provided, single submitter. Criteria: Dines et al. (Genet Med. 2020). Collection method: curation. Allele origin: germline.
Comment: Missense variant in a coldspot region where missense variants are very unlikely to be pathogenic (PMID:31911673).

BRCA2 exon 11 coldspot. Reclassification based on statistical prior probability.

Labcorp Genetics (formerly Invitae), Labcorp
Classification: Uncertain significance for Hereditary breast ovarian cancer syndrome. Last evaluated: 2019-07-21. Review status: criteria provided, single submitter. Criteria: Invitae Variant Classification Sherloc (09022015). Collection method: clinical testing. Allele origin: germline.
Comment: This variant has not been reported in the literature in individuals with BRCA2-related conditions. In summary, the available evidence is currently insufficient to determine the role of this variant in disease. Therefore, it has been classified as a Variant of Uncertain Significance. Algorithms developed to predict the effect of missense changes on protein structure and function are either unavailable or do not agree on the potential impact of this missense change (SIFT: "Tolerated"; PolyPhen-2: "Possibly Damaging"; Align-GVGD: "Class C0"). This variant is not present in population databases (ExAC no frequency). This sequence change replaces threonine with isoleucine at codon 1116 of the BRCA2 protein (p.Thr1116Ile). The threonine residue is moderately conserved and there is a moderate physicochemical difference between threonine and isoleucine.

NM_000059.4(BRCA2):c.3347C>T (p.Thr1116Ile)

Gene: BRCA2 (BRCA2 DNA repair associated; plus strand). Cytogenetic location: 13q13.1.
Variant type: single nucleotide variant.
Coding change: c.3347C>T on transcript NM_000059.4 (MANE Select); coding-DNA position 3347, C replaced by T.
Protein change: p.Thr1116Ile; replaces threonine 1116 with isoleucine.
Molecular consequence: missense variant.
Genome position (GRCh38, 1-based): chr13:32,337,702, C>T. VCF-style: chr13-32337702-C-T. GRCh37 (hg19) VCF-style: chr13-32911839-C-T.
Other names: short protein forms T1116I.
Identifiers: ClinVar variation 940478 (VCV000940478.11), dbSNP rs2072478227, ClinGen allele CA387776332.